The following is an entry in ClinVar:

NM_198525.3(KIF7):c.2558A>T (p.Glu853Val)

Gene: KIF7 (kinesin family member 7; minus strand). Cytogenetic location: 15q26.1.
Variant type: single nucleotide variant.
Coding change: c.2558A>T on transcript NM_198525.3 (MANE Select); coding-DNA position 2558, A replaced by T.
Protein change: p.Glu853Val; replaces glutamic acid 853 with valine.
Molecular consequence: missense variant.
Genome position (GRCh38, 1-based): chr15:89,633,720, T>A on the plus strand (A>T on the coding strand, the complement: KIF7 is on the minus strand). VCF-style: chr15-89633720-T-A. GRCh37 (hg19) VCF-style: chr15-90176951-T-A.
Other names: short protein forms E853V.
Identifiers: ClinVar variation 2015837 (VCV002015837.4), dbSNP rs1963736791, ClinGen allele CA393759598.

ClinVar aggregate classification (germline): Uncertain significance (1 of 4 stars; one submission).

Conditions:
Acrocallosal syndrome (ACLS). Also called: HALLUX DUPLICATION, POSTAXIAL POLYDACTYLY, AND ABSENCE OF CORPUS CALLOSUM; Schinzel syndrome 1; Absence of corpus callosum with unusual facial appearance, mental deficiency, duplication of the halluces and polydactyly. Identifiers: Orphanet 36, MedGen C0796147, MONDO:0008708, OMIM 200990.

Submission:

Labcorp Genetics (formerly Invitae), Labcorp
Classification: Uncertain significance for Acrocallosal syndrome. Last evaluated: 2022-07-10. Review status: criteria provided, single submitter. Criteria: Invitae Variant Classification Sherloc (09022015). Collection method: clinical testing. Allele origin: germline.
Comment: In summary, the available evidence is currently insufficient to determine the role of this variant in disease. Therefore, it has been classified as a Variant of Uncertain Significance. Algorithms developed to predict the effect of missense changes on protein structure and function (SIFT, PolyPhen-2, Align-GVGD) all suggest that this variant is likely to be disruptive. This variant has not been reported in the literature in individuals affected with KIF7-related conditions. This variant is not present in population databases (gnomAD no frequency). This sequence change replaces glutamic acid, which is acidic and polar, with valine, which is neutral and non-polar, at codon 853 of the KIF7 protein (p.Glu853Val).